The following is an entry in ClinVar:

NM_020706.2(SCAF4):c.601-2A>G

Gene: SCAF4 (SR-related CTD associated factor 4; minus strand). Cytogenetic location: 21q22.11.
Variant type: single nucleotide variant.
Coding change: c.601-2A>G on transcript NM_020706.2 (MANE Select); the canonical splice acceptor site of the intron before coding-DNA position 601, A replaced by G.
Molecular consequence: splice acceptor variant.
Genome position (GRCh38, 1-based): chr21:31,701,173, T>C on the plus strand (A>G on the coding strand, the complement: SCAF4 is on the minus strand). VCF-style: chr21-31701173-T-C. GRCh37 (hg19) VCF-style: chr21-33073486-T-C.
Other names: c.556-2A>G (NM_001145444.1); c.601-2A>G (NM_001145445.1).
Identifiers: ClinVar variation 3382393 (VCV003382393.2).

ClinVar aggregate classification (germline): Uncertain significance (1 of 4 stars; one submission).

Conditions:
Fliedner-Zweier syndrome (FZS). Identifiers: MedGen C5882693, MONDO:0957787, OMIM 620511.

Submission:

Juno Genomics, Hangzhou Juno Genomics, Inc
Classification: Uncertain significance for Fliedner-Zweier syndrome. Review status: criteria provided, single submitter. Criteria: ACMG Guidelines, 2015. Collection method: clinical testing. Allele origin: germline. Affected: yes.
Comment: Absent from controls (or at extremely low frequency if recessive) in Genome Aggregation Database, Exome Sequencing Project, 1000 Genomes Project, or Exome Aggregation Consortium.;Assumed de novo, but without confirmation of paternity and maternity.;Null variant in a gene where loss of function (LOF) is a known mechanism of disease.